The following is an entry in ClinVar:

NM_006118.4(HAX1):c.724C>G (p.Arg242Gly)

Gene: HAX1 (HCLS1 associated protein X-1; plus strand). Cytogenetic location: 1q21.3.
Variant type: single nucleotide variant.
Coding change: c.724C>G on transcript NM_006118.4 (MANE Select); coding-DNA position 724, C replaced by G.
Protein change: p.Arg242Gly; replaces arginine 242 with glycine.
Molecular consequence: missense variant.
Genome position (GRCh38, 1-based): chr1:154,275,453, C>G. VCF-style: chr1-154275453-C-G. GRCh37 (hg19) VCF-style: chr1-154247929-C-G.
Other names: c.580C>G, p.Arg194Gly (NM_001018837.2); short protein forms R242G, R194G.
Identifiers: ClinVar variation 4842730 (VCV004842730.1).

ClinVar aggregate classification (germline): Uncertain significance (1 of 4 stars; one submission).

Conditions:
Inborn genetic diseases. Identifiers: MedGen C0950123, MeSH D030342.

Submission:

Ambry Genetics
Classification: Uncertain significance for Inborn genetic diseases. Last evaluated: 2025-12-21. Review status: criteria provided, single submitter. Criteria: Ambry Variant Classification Scheme 2023. Collection method: clinical testing. Allele origin: germline.
Comment: The p.R242G variant (also known as c.724C>G), located in coding exon 6 of the HAX1 gene, results from a C to G substitution at nucleotide position 724. The arginine at codon 242 is replaced by glycine, an amino acid with dissimilar properties. This amino acid position is conserved. In addition, this alteration is predicted to be tolerated by in silico analysis. Based on the available evidence, the clinical significance of this variant remains unclear.